The following is an entry in ClinVar:

ClinVar aggregate classification (germline): Uncertain significance (1 of 4 stars; one submission).

Conditions:
Multiple sulfatase deficiency (MSD). Also called: Mucosulfatidosis; Multiple Sulfatase Deficiency Disease; Sulfatidosis, Juvenile, Austin Type. Identifiers: Orphanet 585, MedGen C0268263, MONDO:0010088, OMIM 272200.

Allele frequency attached by ClinVar (database versions not stated): gnomAD exomes below 0.00001; ExAC 0.00001; ESP Exome Variant Server 0.00008.
gnomAD v4.1: 1 of 1,613,870 alleles (0.000062%); highest among the groups gnomAD compares: Non-Finnish European, 0.000085%; no homozygotes.

Submission:

Labcorp Genetics (formerly Invitae), Labcorp
Classification: Uncertain significance for Multiple sulfatase deficiency. Last evaluated: 2025-04-17. Review status: criteria provided, single submitter. Criteria: Invitae Variant Classification Sherloc (09022015). Collection method: clinical testing. Allele origin: germline.
Comment: This sequence change replaces histidine, which is basic and polar, with tyrosine, which is neutral and polar, at codon 240 of the SUMF1 protein (p.His240Tyr). This variant is present in population databases (rs144750387, gnomAD 0.002%). This variant has not been reported in the literature in individuals affected with SUMF1-related conditions. ClinVar contains an entry for this variant (Variation ID: 1898322). Invitae Evidence Modeling of protein sequence and biophysical properties (such as structural, functional, and spatial information, amino acid conservation, physicochemical variation, residue mobility, and thermodynamic stability) indicates that this missense variant is not expected to disrupt SUMF1 protein function with a negative predictive value of 95%. In summary, the available evidence is currently insufficient to determine the role of this variant in disease. Therefore, it has been classified as a Variant of Uncertain Significance.

NM_182760.4(SUMF1):c.718C>T (p.His240Tyr)

Gene: SUMF1 (sulfatase modifying factor 1; minus strand). Cytogenetic location: 3p26.1.
Variant type: single nucleotide variant.
Coding change: c.718C>T on transcript NM_182760.4 (MANE Select); coding-DNA position 718, C replaced by T.
Protein change: p.His240Tyr; replaces histidine 240 with tyrosine.
Molecular consequence: missense variant.
Genome position (GRCh38, 1-based): chr3:4,418,017, G>A on the plus strand (C>T on the coding strand, the complement: SUMF1 is on the minus strand). VCF-style: chr3-4418017-G-A. GRCh37 (hg19) VCF-style: chr3-4459701-G-A.
Other names: c.643C>T, p.His215Tyr (NM_001164674.2); c.718C>T, p.His240Tyr (NM_001164675.2); short protein forms H215Y, H240Y.
Identifiers: ClinVar variation 1898322 (VCV001898322.5), dbSNP rs144750387, ClinGen allele CA2230491.